The following is an entry in ClinVar:

ClinVar aggregate classification (germline): Likely pathogenic. Review status: criteria provided, multiple submitters, no conflicts (2 of 4 stars). 2 submissions from 2 submitters: Likely pathogenic (2). Last evaluated 2023-11-09.

Conditions:
LAMA2-related muscular dystrophy (LAMA2-RD). Also called: Laminin alpha 2-related dystrophy. Identifiers: MedGen C5679788, MONDO:0100228.
Merosin deficient congenital muscular dystrophy (MDC1A). Also called: Congenital merosin-deficient muscular dystrophy 1A; Congenital Muscular Dystrophy Type 1A (MDC1A). Identifiers: Orphanet 258, MedGen C1263858, MONDO:0011925, OMIM 607855.

Submissions (2):

Baylor Genetics
Classification: Likely pathogenic for Merosin deficient congenital muscular dystrophy. Last evaluated: 2023-11-09. Review status: criteria provided, single submitter. Criteria: ACMG Guidelines, 2015. Collection method: clinical testing. Allele origin: unknown.

Labcorp Genetics (formerly Invitae), Labcorp
Classification: Likely pathogenic for LAMA2-related muscular dystrophy. Last evaluated: 2022-05-17. Review status: criteria provided, single submitter. Criteria: Invitae Variant Classification Sherloc (09022015). Collection method: clinical testing. Allele origin: germline.
Comment: In summary, the currently available evidence indicates that the variant is pathogenic, but additional data are needed to prove that conclusively. Therefore, this variant has been classified as Likely Pathogenic. This sequence change affects a donor splice site in intron 17 of the LAMA2 gene. It is expected to disrupt RNA splicing. Variants that disrupt the donor or acceptor splice site typically lead to a loss of protein function (PMID: 16199547), and loss-of-function variants in LAMA2 are known to be pathogenic (PMID: 18700894, 32904964). This variant is not present in population databases (gnomAD no frequency). Disruption of this splice site has been observed in individual(s) with clinical features of LAMA2-related conditions (PMID: 20207543). Algorithms developed to predict the effect of sequence changes on RNA splicing suggest that this variant may disrupt the consensus splice site.

Literature cited by the submitters: PubMed 16199547 (cited by Labcorp Genetics (formerly Invitae), Labcorp); PubMed 18700894 (cited by Labcorp Genetics (formerly Invitae), Labcorp); PubMed 32904964 (cited by Labcorp Genetics (formerly Invitae), Labcorp); PubMed 20207543 (cited by Labcorp Genetics (formerly Invitae), Labcorp).

NM_000426.4(LAMA2):c.2450+1G>C

Gene: LAMA2 (laminin subunit alpha 2; plus strand). Cytogenetic location: 6q22.33.
Variant type: single nucleotide variant.
Coding change: c.2450+1G>C on transcript NM_000426.4 (MANE Select); the canonical splice donor site of the intron after coding-DNA position 2450, G replaced by C.
Molecular consequence: splice donor variant.
Genome position (GRCh38, 1-based): chr6:129,270,752, G>C. VCF-style: chr6-129270752-G-C. GRCh37 (hg19) VCF-style: chr6-129591897-G-C.
Other names: c.2450+1G>C (NM_001079823.2).
Identifiers: ClinVar variation 2136464 (VCV002136464.5), dbSNP rs760169730, ClinGen allele CA365609260.
Genomic context (GRCh38, chr6:129,270,752, plus strand): 5'-TAAAGGAACCTCTGAAGACTGTCAACCCTGTGCCTGTCCACTCAATATCCCATCCAATAA[G>C]TAAGTAACAAACTTACCCCATGAATAAGCTCAGCATCCATTTCTGCAAGTACACTTTTCA-3'